The following is an entry in ClinVar:

NM_000553.6(WRN):c.2894dup (p.Leu966fs)

Gene: WRN (WRN RecQ like helicase; plus strand). Cytogenetic location: 8p12.
Variant type: Duplication.
Coding change: c.2894dup on transcript NM_000553.6 (MANE Select); coding-DNA position 2894, one base duplicated (A; older notation c.2894dupA).
Protein change: p.Leu966fs; shifts the reading frame from leucine 966.
Molecular consequence: frameshift variant.
Genome position (GRCh38, 1-based): chr8:31,132,433, A duplicated; the last of 2 consecutive A bases (chr8:31,132,432-31,132,433); duplicating either gives the same sequence. VCF-style (leftmost placement, unchanged base first): chr8-31132431-T-TA. GRCh37 (hg19) VCF-style: chr8-30989947-T-TA.
Other names: short protein forms L966fs.
Identifiers: ClinVar variation 1070555 (VCV001070555.5), dbSNP rs2130377037, ClinGen allele CA2499219263.

ClinVar aggregate classification (germline): Pathogenic (1 of 4 stars; one submission).

Conditions:
Werner syndrome (WRN). Identifiers: Orphanet 902, MedGen C0043119, MONDO:0010196, OMIM 277700.

Submission:

Labcorp Genetics (formerly Invitae), Labcorp
Classification: Pathogenic for Werner syndrome. Last evaluated: 2023-05-30. Review status: criteria provided, single submitter. Criteria: Invitae Variant Classification Sherloc (09022015). Collection method: clinical testing. Allele origin: germline.
Comment: For these reasons, this variant has been classified as Pathogenic. ClinVar contains an entry for this variant (Variation ID: 1070555). This variant has not been reported in the literature in individuals affected with WRN-related conditions. This variant is not present in population databases (gnomAD no frequency). This sequence change creates a premature translational stop signal (p.Leu966Alafs*25) in the WRN gene. It is expected to result in an absent or disrupted protein product. Loss-of-function variants in WRN are known to be pathogenic (PMID: 16673358).

Literature cited by the submitters: PubMed 16673358.